The following is an entry in ClinVar:

NM_000375.3(UROS):c.169G>A (p.Gly57Arg)

Gene: UROS (uroporphyrinogen III synthase; minus strand). Cytogenetic location: 10q26.2.
Variant type: single nucleotide variant.
Coding change: c.169G>A on transcript NM_000375.3 (MANE Select); coding-DNA position 169, G replaced by A.
Protein change: p.Gly57Arg; replaces glycine 57 with arginine.
Molecular consequence: missense variant. On other transcripts: non-coding transcript variant (2).
Genome position (GRCh38, 1-based): chr10:125,815,109, C>T on the plus strand (G>A on the coding strand, the complement: UROS is on the minus strand). VCF-style: chr10-125815109-C-T. GRCh37 (hg19) VCF-style: chr10-127503678-C-T.
Other names: NC_000010.10:g.127503678C>T; c.169G>A, p.Gly57Arg (NM_001324036.2, NM_001324037.2, NM_001324038.2 and 1 more transcripts); short protein forms G57R.
Identifiers: ClinVar variation 879195 (VCV000879195.6), dbSNP rs200322717, ClinGen allele CA5738550.
Genomic context (GRCh38, chr10:125,815,109, plus strand): 5'-TTTGCTCCAAACATAACTCTGCTGCTTCCACTGCTCTGGGGCTGGTAAAAATGAGTCCCC[C>T]GTAATCTTCAGGATGAGAAAGCTGCACACCAAAAAGCAATAAAGACATTTTATACGATGG-3'
Protein context (NP_000366.1, residues 47-67): SEKLSHPEDY[Gly57Arg]GLIFTSPRAV

ClinVar aggregate classification (germline): Uncertain significance. Review status: criteria provided, multiple submitters, no conflicts (2 of 4 stars). 2 submissions from 2 submitters: Uncertain significance (2). Last evaluated 2025-02-24.

Conditions:
Congenital erythropoietic porphyria. Also called: Porphyria, Erythropoietic; Congenital porphyria; Günther disease; Uroporphyrinogen III synthase, deficiency of; UROPORPHYRINOGEN III SYNTHASE DEFICIENCY; GUNTHER DISEASE. Identifiers: Orphanet 79277, MedGen C5886774, MONDO:0009902, OMIM 263700.

Allele frequency attached by ClinVar (database versions not stated): gnomAD 0.00001 and 0.00002.
gnomAD v4.1: 57 of 1,613,986 alleles (0.0035%); highest among the groups gnomAD compares: East Asian, 0.033%; no homozygotes.

Submissions (3):

3billion
Classification: Uncertain significance for Congenital erythropoietic porphyria. Last evaluated: 2025-02-24. Review status: criteria provided, single submitter. Criteria: ACMG Guidelines, 2015. Collection method: clinical testing. Allele origin: germline. Affected: yes.
Comment: The variant is observed at an extremely low frequency in the gnomAD v4.1.0 dataset (total allele frequency: 0.004%). Predicted Consequence/Location: Missense variant Damaging effect on gene or gene product predicted by in silico programs is uncertain [REVEL: 0.56 (damaging >=0.6, benign <0.4), 3Cnet: 0.17 (damaging >=0.6, benign <0.15)]. The variant has been reported as of uncertain significance (ClinVar ID: VCV000879195). Therefore, this variant is classified as VUS according to the recommendation of ACMG/AMP guideline.

Illumina Laboratory Services, Illumina
Classification: Uncertain significance for Congenital erythropoietic porphyria. Last evaluated: 2018-01-12. Review status: criteria provided, single submitter. Criteria: ICSL Variant Classification Criteria 13 December 2019. Collection method: clinical testing. Allele origin: germline.

Dr. Peter K. Rogan Lab, Western University
No classification provided (evidence only). Condition: Uterine corpus endometrial carcinoma. Review status: no classification provided. Collection method: in vitro. Allele origin: not applicable. Functional consequence: skipped exon, retained intron. Not counted in ClinVar's aggregate classification.